The following is an entry in ClinVar:

ClinVar aggregate classification (germline): Pathogenic. Review status: criteria provided, multiple submitters, no conflicts (2 of 4 stars). 9 submissions from 9 submitters: Pathogenic (6). 3 of the submissions do not count toward it. Last evaluated 2025-05-19.

Conditions:
Hereditary cancer-predisposing syndrome. Also called: Hereditary Cancer Syndrome; Hereditary neoplastic syndrome; Tumor predisposition; Neoplastic Syndromes, Hereditary. Identifiers: Orphanet 140162, MedGen C0027672, MeSH D009386, MONDO:0015356.
Hereditary breast ovarian cancer syndrome. Also called: BRCA1- and BRCA2-Associated Hereditary Breast and Ovarian Cancer; Hereditary breast and ovarian cancer; Hereditary breast and/or ovarian cancer syndrome; Hereditary breast and ovarian cancer syndrome; Hereditary breast and ovarian cancer syndrome (HBOC); Breast and ovarian cancer. Identifiers: Orphanet 145, MedGen C0677776, MeSH D061325, MONDO:0003582. Disease mechanism: loss of function.
Familial cancer of breast. Also called: BREAST CANCER, FAMILIAL; hereditary breast carcinoma; Hereditary breast cancer. Identifiers: Orphanet 227535, MedGen C0346153, MONDO:0016419, OMIM 114480. Disease mechanism: loss of function.

Submissions (9):

Labcorp Genetics (formerly Invitae), Labcorp
Classification: Pathogenic for Familial cancer of breast. Last evaluated: 2025-05-19. Review status: criteria provided, single submitter. Criteria: Invitae Variant Classification Sherloc (09022015). Collection method: clinical testing. Allele origin: germline.
Comment: This sequence change creates a premature translational stop signal (p.Pro1009Leufs*6) in the PALB2 gene. It is expected to result in an absent or disrupted protein product. Loss-of-function variants in PALB2 are known to be pathogenic (PMID: 17200668, 17200671, 17200672, 24136930, 25099575). This variant is not present in population databases (gnomAD no frequency). This premature translational stop signal has been observed in individual(s) with breast cancer (PMID: 21285249). ClinVar contains an entry for this variant (Variation ID: 126706). For these reasons, this variant has been classified as Pathogenic.

Ambry Genetics
Classification: Pathogenic for Hereditary cancer-predisposing syndrome. Last evaluated: 2025-01-16. Review status: criteria provided, single submitter. Criteria: Ambry Variant Classification Scheme 2023. Collection method: clinical testing. Allele origin: germline.
Comment: The c.3026delC pathogenic mutation, located in coding exon 10 of the PALB2 gene, results from a deletion of one nucleotide at nucleotide position 3026, causing a translational frameshift with a predicted alternate stop codon (p.P1009Lfs*6). This alteration has been observed in multiple individuals and families with high risk breast cancer (Casadei S et al. Cancer Res, 2011 Mar;71:2222-9; Catucci I et al. Fam Cancer, 2012 Sep;11:483-91; Susswein LR et al. Genet Med, 2016 08;18:823-32). In a homology-directed DNA repair (HDR) assay, this alteration was found to be functionally abnormal. In a PARP inhibitor sensitivity assay, this alteration was found to be functionally abnormal (Boonen RACM et al. Nat Commun, 2019 11;10:5296). This variant is considered to be rare based on population cohorts in the Genome Aggregation Database (gnomAD). In addition to the clinical data presented in the literature, this alteration is expected to result in loss of function by premature protein truncation or nonsense-mediated mRNA decay. As such, this alteration is interpreted as a disease-causing mutation.

Baylor Genetics
Classification: Pathogenic for Familial cancer of breast. Last evaluated: 2023-12-05. Review status: criteria provided, single submitter. Criteria: ACMG Guidelines, 2015. Collection method: clinical testing. Allele origin: unknown.

Myriad Genetics, Inc.
Classification: Pathogenic for Familial cancer of breast. Last evaluated: 2023-09-14. Review status: criteria provided, single submitter. Criteria: Myriad Autosomal Dominant, Autosomal Recessive and X-Linked Classification Criteria (2023). Collection method: clinical testing. Allele origin: unknown.
Comment: This variant is considered pathogenic. This variant creates a frameshift predicted to result in premature protein truncation.

Color Diagnostics, LLC DBA Color Health
Classification: Pathogenic for Hereditary cancer-predisposing syndrome. Last evaluated: 2020-01-15. Review status: criteria provided, single submitter. Criteria: ACMG Guidelines, 2015. Collection method: clinical testing. Allele origin: germline.
Comment: This variant deletes 1 nucleotide in exon 10 of the PALB2 gene, creating a frameshift and premature translation stop signal. This variant is expected to result in an absent or non-functional protein product. This variant has not been identified in the general population by the Genome Aggregation Database (gnomAD). Loss of PALB2 function is a known mechanism of disease. Based on the available evidence, this variant is classified as Pathogenic.

GeneDx
Classification: Pathogenic. Last evaluated: 2017-07-03. Review status: criteria provided, single submitter. Criteria: GeneDx Variant Classification (06012015). Collection method: clinical testing. Allele origin: germline. Affected: yes.
Comment: This deletion of one nucleotide is denoted PALB2 c.3026delC at the cDNA level and p.Pro1009LeufsX6 (P1009LfsX6) at the protein level. The normal sequence, with the base that is deleted in braces, is GCCCC[C]TGAG. The deletion causes a frameshift, which changes a Proline to a Leucine at codon 1009, and creates a premature stop codon at position 6 of the new reading frame. This variant is predicted to cause loss of normal protein function through either protein truncation or nonsense-mediated mRNA decay. PALB2 3026delC, previously denoted as 3022delC, has been reported in at least three individuals with breast cancer (Casadei 2011, Susswein 2015). We consider this variant to be pathogenic.

BRCAlab, Lund University
Classification: Pathogenic for Hereditary breast ovarian cancer syndrome. Last evaluated: 2022-08-26. Review status: no assertion criteria provided. Collection method: clinical testing. Allele origin: germline. Affected: yes. Not counted in ClinVar's aggregate classification.

Leiden Open Variation Database
Classification: Pathogenic for Familial cancer of breast. Last evaluated: 2020-02-28. Review status: no assertion criteria provided. Collection method: curation. Allele origin: germline. Affected: yes. Not counted in ClinVar's aggregate classification.
Comment: Curators: Marc Tischkowitz, Arleen D. Auerbach. Submitter to LOVD: Marc Tischkowitz.

SNPedia
Classification: Pathogenic. Review status: no assertion criteria provided. Collection method: not provided. Allele origin: germline. Not counted in ClinVar's aggregate classification.
ClinVar note: Converted during submission from pathogenic to Pathogenic.

Literature cited by the submitters: PubMed 17200668 (cited by Labcorp Genetics (formerly Invitae), Labcorp); PubMed 17200671 (cited by Labcorp Genetics (formerly Invitae), Labcorp); PubMed 17200672 (cited by Labcorp Genetics (formerly Invitae), Labcorp); PubMed 24136930 (cited by Labcorp Genetics (formerly Invitae), Labcorp); PubMed 25099575 (cited by Labcorp Genetics (formerly Invitae), Labcorp and Leiden Open Variation Database); PubMed 21285249 (cited by 3 submitters); PubMed 22692731 (cited by Ambry Genetics); PubMed 26681312 (cited by Ambry Genetics); PubMed 31757951 (cited by Ambry Genetics).

NM_024675.4(PALB2):c.3026del (p.Pro1009fs)

Gene: PALB2 (partner and localizer of BRCA2; minus strand). Cytogenetic location: 16p12.2.
Variant type: Deletion.
Coding change: c.3026del on transcript NM_024675.4 (MANE Select); coding-DNA position 3026, one base deleted (C; older notation c.3026delC).
Protein change: p.Pro1009fs; shifts the reading frame from proline 1009.
Molecular consequence: frameshift variant.
Genome position (GRCh38, 1-based): chr16:23,621,449, G deleted on the plus strand (C on the coding strand, the reverse complement: PALB2 is on the minus strand); the first of 5 consecutive G bases (chr16:23,621,449-23,621,453); deleting any one gives the same sequence. VCF-style (leftmost placement, unchanged base first): chr16-23621448-AG-A. GRCh37 (hg19) VCF-style: chr16-23632769-AG-A.
Other names: c.3026delC (NM_024675.3); short protein forms P1009fs.
Identifiers: ClinVar variation 126706 (VCV000126706.38), dbSNP rs180177131, ClinGen allele CA294562.